The following is an entry in ClinVar:

ClinVar aggregate classification (germline): Uncertain significance (1 of 4 stars; one submission).

Submission:

Women's Health and Genetics/Laboratory Corporation of America, LabCorp
Classification: Uncertain significance. Last evaluated: 2026-01-05. Review status: criteria provided, single submitter. Criteria: LabCorp Variant Classification Summary - May 2015. Collection method: clinical testing. Allele origin: germline.
Comment: Variant summary: NF2 c.*3101_(*3797_?)del is located in the untranslated mRNA region downstream of the termination codon. The exact breakpoint at the 3' end of this variant is unknown, therefore this duplication may extend downstream of the annotated region of the gene. This variant was not found in controls (gnomAD) however a similar deletion variant was found at a frequency of 8.3e-06 in 120780 control chromosomes in the gnomAD database (Structural Variants v4.1 dataset). The available data on variant occurrences in the general population are insufficient to allow any conclusion about variant significance. To our knowledge, no occurrence of c.*3101_(*3797_?)del in individuals affected with NF2-related conditions and no experimental evidence demonstrating its impact on protein function have been reported. No submitters have cited clinical-significance assessments for this variant to ClinVar. Based on the evidence outlined above, the variant was classified as uncertain significance.

NM_000268.4:c.*3101_(*3797_?)del

Gene: NF2 (NF2, moesin-ezrin-radixin like (MERLIN) tumor suppressor; plus strand).
Variant type: Deletion.
Other names: c.*3101_(*3797_?)del (NM_000268.4).
Identifiers: ClinVar variation 4689641 (VCV004689641.1).